The following is an entry in ClinVar:

NM_004260.4(RECQL4):c.1077G>C (p.Lys359Asn)

Gene: RECQL4 (RecQ like helicase 4; minus strand). Cytogenetic location: 8q24.3.
Variant type: single nucleotide variant.
Coding change: c.1077G>C on transcript NM_004260.4 (MANE Select); coding-DNA position 1077, G replaced by C.
Protein change: p.Lys359Asn; replaces lysine 359 with asparagine.
Molecular consequence: missense variant.
Genome position (GRCh38, 1-based): chr8:144,516,042, C>G on the plus strand (G>C on the coding strand, the complement: RECQL4 is on the minus strand). VCF-style: chr8-144516042-C-G. GRCh37 (hg19) VCF-style: chr8-145741426-C-G.
Other names: short protein forms K359N.
Identifiers: ClinVar variation 640533 (VCV000640533.5), dbSNP rs533185057, ClinGen allele CA372688155.

ClinVar aggregate classification (germline): Uncertain significance. Review status: criteria provided, multiple submitters, no conflicts (2 of 4 stars). 2 submissions from 2 submitters: Uncertain significance (2). Last evaluated 2026-07-07.

Conditions:
Inborn genetic diseases. Identifiers: MedGen C0950123, MeSH D030342.
Baller-Gerold syndrome (BGS). Also called: CRANIOSYNOSTOSIS WITH RADIAL DEFECTS. Identifiers: Orphanet 1225, MedGen C0265308, MONDO:0009039, OMIM 218600.

Submissions (2):

Ambry Genetics
Classification: Uncertain significance for Inborn genetic diseases. Last evaluated: 2026-07-07. Review status: criteria provided, single submitter. Criteria: Ambry Variant Classification Scheme 2023. Collection method: clinical testing. Allele origin: germline.
Comment: The p.K359N variant (also known as c.1077G>C), located in coding exon 5 of the RECQL4 gene, results from a G to C substitution at nucleotide position 1077. The lysine at codon 359 is replaced by asparagine, an amino acid with similar properties. This amino acid position is conserved. In addition, this alteration is predicted to be tolerated by in silico analysis. Based on the available evidence, the clinical significance of this variant remains unclear.

Labcorp Genetics (formerly Invitae), Labcorp
Classification: Uncertain significance for Baller-Gerold syndrome. Last evaluated: 2024-08-05. Review status: criteria provided, single submitter. Criteria: Invitae Variant Classification Sherloc (09022015). Collection method: clinical testing. Allele origin: germline.
Comment: This sequence change replaces lysine, which is basic and polar, with asparagine, which is neutral and polar, at codon 359 of the RECQL4 protein (p.Lys359Asn). This variant is not present in population databases (gnomAD no frequency). This variant has not been reported in the literature in individuals affected with RECQL4-related conditions. ClinVar contains an entry for this variant (Variation ID: 640533). Advanced modeling of protein sequence and biophysical properties (such as structural, functional, and spatial information, amino acid conservation, physicochemical variation, residue mobility, and thermodynamic stability) performed at Invitae indicates that this missense variant is expected to disrupt RECQL4 protein function with a positive predictive value of 80%. In summary, the available evidence is currently insufficient to determine the role of this variant in disease. Therefore, it has been classified as a Variant of Uncertain Significance.